The following is an entry in ClinVar:

ClinVar aggregate classification (germline): Conflicting classifications of pathogenicity. Review status: criteria provided, conflicting classifications (1 of 4 stars). 2 submissions from 2 submitters: Uncertain significance (1); Likely benign (1). Last evaluated 2025-06-04.

Conditions:
Hereditary nonpolyposis colorectal neoplasms. Identifiers: MedGen C0009405, MeSH D003123.
Hereditary cancer-predisposing syndrome. Also called: Hereditary neoplastic syndrome; Neoplastic Syndromes, Hereditary; Tumor predisposition; Hereditary Cancer Syndrome. Identifiers: Orphanet 140162, MedGen C0027672, MeSH D009386, MONDO:0015356.

Submissions (2):

Ambry Genetics
Classification: Likely benign for Hereditary cancer-predisposing syndrome. Last evaluated: 2025-06-04. Review status: criteria provided, single submitter. Criteria: Ambry Variant Classification Scheme 2023. Collection method: clinical testing. Allele origin: germline.

Labcorp Genetics (formerly Invitae), Labcorp
Classification: Uncertain significance for Hereditary nonpolyposis colorectal neoplasms. Last evaluated: 2023-05-05. Review status: criteria provided, single submitter. Criteria: Invitae Variant Classification Sherloc (09022015). Collection method: clinical testing. Allele origin: germline.
Comment: In summary, the available evidence is currently insufficient to determine the role of this variant in disease. Therefore, it has been classified as a Variant of Uncertain Significance. Algorithms developed to predict the effect of sequence changes on RNA splicing suggest that this variant may disrupt the consensus splice site. ClinVar contains an entry for this variant (Variation ID: 948408). This sequence change falls in intron 7 of the PMS2 gene. It does not directly change the encoded amino acid sequence of the PMS2 protein. This variant has not been reported in the literature in individuals affected with PMS2-related conditions. This variant is not present in population databases (gnomAD no frequency).

NM_000535.7(PMS2):c.804-4A>G

Gene: PMS2 (PMS1 homolog 2, mismatch repair system component; minus strand). Cytogenetic location: 7p22.1.
Variant type: single nucleotide variant.
Coding change: c.804-4A>G on transcript NM_000535.7 (MANE Select); 4 bases into the intron before coding-DNA position 804, A replaced by G.
Molecular consequence: intron variant.
Genome position (GRCh38, 1-based): chr7:5,995,637, T>C on the plus strand (A>G on the coding strand, the complement: PMS2 is on the minus strand). VCF-style: chr7-5995637-T-C. GRCh37 (hg19) VCF-style: chr7-6035268-T-C.
Other names: c.486-4A>G (NM_001322008.2, NM_001322007.2); c.399-4A>G (NM_001322010.2, NM_001322004.2, NM_001322003.2 and 2 more transcripts); c.231-4A>G (NM_001322013.2); c.-130-4A>G (NM_001322012.2, NM_001322011.2); c.495-4A>G (NM_001322015.2); c.804-4A>G (NM_001322006.2, NM_001322014.2).
Identifiers: ClinVar variation 948408 (VCV000948408.11), dbSNP rs1475598645, ClinGen allele CA1139659570.